The following is an entry in ClinVar:

ClinVar aggregate classification (germline): Uncertain significance (1 of 4 stars; one submission).

Conditions:
Beta-D-mannosidosis (MANSB). Also called: MANNOSIDOSIS, BETA A, LYSOSOMAL; BETA-MANNOSIDASE DEFICIENCY; LYSOSOMAL BETA-MANNOSIDASE DEFICIENCY; Beta-Mannosidosis. Identifiers: Orphanet 118, MedGen C4048196, MONDO:0009562, OMIM 248510.

Allele frequency attached by ClinVar (database versions not stated): ExAC 0.00001; gnomAD exomes 0.00001; ESP Exome Variant Server 0.00008.
gnomAD v4.1: 15 of 1,614,064 alleles (0.00093%); highest among the groups gnomAD compares: Non-Finnish European, 0.0013%; no homozygotes.

Submission:

Labcorp Genetics (formerly Invitae), Labcorp
Classification: Uncertain significance for Beta-D-mannosidosis. Last evaluated: 2023-07-28. Review status: criteria provided, single submitter. Criteria: Invitae Variant Classification Sherloc (09022015). Collection method: clinical testing. Allele origin: germline.
Comment: This sequence change replaces histidine, which is basic and polar, with tyrosine, which is neutral and polar, at codon 723 of the MANBA protein (p.His723Tyr). This variant is present in population databases (rs377586019, gnomAD 0.007%). This variant has not been reported in the literature in individuals affected with MANBA-related conditions. Advanced modeling of protein sequence and biophysical properties (such as structural, functional, and spatial information, amino acid conservation, physicochemical variation, residue mobility, and thermodynamic stability) performed at Invitae indicates that this missense variant is not expected to disrupt MANBA protein function. In summary, the available evidence is currently insufficient to determine the role of this variant in disease. Therefore, it has been classified as a Variant of Uncertain Significance.

NM_005908.4(MANBA):c.2167C>T (p.His723Tyr)

Gene: MANBA (mannosidase beta; minus strand). Cytogenetic location: 4q24.
Variant type: single nucleotide variant.
Coding change: c.2167C>T on transcript NM_005908.4 (MANE Select); coding-DNA position 2167, C replaced by T.
Protein change: p.His723Tyr; replaces histidine 723 with tyrosine.
Molecular consequence: missense variant.
Genome position (GRCh38, 1-based): chr4:102,635,036, G>A on the plus strand (C>T on the coding strand, the complement: MANBA is on the minus strand). VCF-style: chr4-102635036-G-A. GRCh37 (hg19) VCF-style: chr4-103556193-G-A.
Other names: short protein forms H723Y.
Identifiers: ClinVar variation 2990908 (VCV002990908.1), dbSNP rs377586019, ClinGen allele CA3026680.